The following is an entry in ClinVar:

ClinVar aggregate classification (germline): Uncertain significance. Review status: criteria provided, multiple submitters, no conflicts (2 of 4 stars). 2 submissions from 2 submitters: Uncertain significance (2). Last evaluated 2026-01-14.

Allele frequency attached by ClinVar (database versions not stated): gnomAD exomes 0.00001 and 0.00002; ExAC 0.00002; TOPMed 0.00002.
gnomAD v4.1: 5 of 1,613,630 alleles (0.00031%); highest among the groups gnomAD compares: Admixed American, 0.0083%; no homozygotes.

Submissions (2):

Women's Health and Genetics/Laboratory Corporation of America, LabCorp
Classification: Uncertain significance. Last evaluated: 2026-01-14. Review status: criteria provided, single submitter. Criteria: LabCorp Variant Classification Summary - May 2015. Collection method: clinical testing. Allele origin: germline.
Comment: Variant summary: CAD c.4943A>G (p.Asp1648Gly) results in a non-conservative amino acid change in the encoded protein sequence. Algorithms developed to predict the effect of missense changes on protein structure and function are either unavailable or do not agree on the potential impact of this missense change. The variant allele was found at a frequency of 2e-05 in 250142 control chromosomes. The available data on variant occurrences in the general population are insufficient to allow any conclusion about variant significance. To our knowledge, no occurrence of c.4943A>G in individuals affected with CAD-related conditions and no experimental evidence demonstrating its impact on protein function have been reported. ClinVar contains an entry for this variant (Variation ID: 1371020). Based on the evidence outlined above, the variant was classified as uncertain significance.

Labcorp Genetics (formerly Invitae), Labcorp
Classification: Uncertain significance. Last evaluated: 2023-10-31. Review status: criteria provided, single submitter. Criteria: Invitae Variant Classification Sherloc (09022015). Collection method: clinical testing. Allele origin: germline.
Comment: This sequence change replaces aspartic acid, which is acidic and polar, with glycine, which is neutral and non-polar, at codon 1648 of the CAD protein (p.Asp1648Gly). This variant is present in population databases (rs748960431, gnomAD 0.01%). This variant has not been reported in the literature in individuals affected with CAD-related conditions. ClinVar contains an entry for this variant (Variation ID: 1371020). An algorithm developed to predict the effect of missense changes on protein structure and function (PolyPhen-2) suggests that this variant¬†is likely to be tolerated. In summary, the available evidence is currently insufficient to determine the role of this variant in disease. Therefore, it has been classified as a Variant of Uncertain Significance.

NM_004341.5(CAD):c.4943A>G (p.Asp1648Gly)

Gene: CAD (carbamoyl-phosphate synthetase 2, aspartate transcarbamylase, and dihydroorotase; plus strand). Cytogenetic location: 2p23.3.
Variant type: single nucleotide variant.
Coding change: c.4943A>G on transcript NM_004341.5 (MANE Select); coding-DNA position 4943, A replaced by G.
Protein change: p.Asp1648Gly; replaces aspartic acid 1648 with glycine.
Molecular consequence: missense variant.
Genome position (GRCh38, 1-based): chr2:27,238,513, A>G. VCF-style: chr2-27238513-A-G. GRCh37 (hg19) VCF-style: chr2-27461381-A-G.
Other names: c.4754A>G, p.Asp1585Gly (NM_001306079.2); short protein forms D1585G, D1648G.
Identifiers: ClinVar variation 1371020 (VCV001371020.8), dbSNP rs748960431, ClinGen allele CA1573702.